The following is an entry in ClinVar:

ClinVar aggregate classification (germline): Uncertain significance (1 of 4 stars; one submission).

Allele frequency attached by ClinVar (database versions not stated): gnomAD exomes below 0.00001.
gnomAD v4.1: 1 of 1,602,510 alleles (0.000062%); highest among the groups gnomAD compares: African/African-American, 0.0013%; no homozygotes.

Submission:

GeneDx
Classification: Uncertain significance. Last evaluated: 2016-12-02. Review status: criteria provided, single submitter. Criteria: GeneDx Variant Classification (06012015). Collection method: clinical testing. Allele origin: germline. Affected: yes.
Comment: The K158N variant in the NKX2-5 gene has not been reported previously as a pathogenic variant, nor as a benign variant, to our knowledge. The K158N variant was not observed in approximately 6500 individuals of European and African American ancestry in the NHLBI Exome Sequencing Project, indicating it is not a common benign variant in these populations. The K158N variant is a semi-conservative amino acid substitution, which may impact secondary protein structure as these residues differ in some properties. This substitution occurs at a position that is conserved across species, and in silico analysis predicts this variant is probably damaging to the protein structure/function. We interpret K158N as a variant of uncertain significance.

NM_004387.4(NKX2-5):c.474G>T (p.Lys158Asn)

Gene: NKX2-5 (NK2 homeobox 5; minus strand). Cytogenetic location: 5q35.1.
Variant type: single nucleotide variant.
Coding change: c.474G>T on transcript NM_004387.4 (MANE Select); coding-DNA position 474, G replaced by T.
Protein change: p.Lys158Asn; replaces lysine 158 with asparagine.
Molecular consequence: missense variant. On other transcripts: 3 prime UTR variant (2).
Genome position (GRCh38, 1-based): chr5:173,233,070, C>A on the plus strand (G>T on the coding strand, the complement: NKX2-5 is on the minus strand). VCF-style: chr5-173233070-C-A. GRCh37 (hg19) VCF-style: chr5-172660073-C-A.
Other names: c.*427G>T (NM_001166175.2); c.*273G>T (NM_001166176.2); short protein forms K158N.
Identifiers: ClinVar variation 373685 (VCV000373685.1), dbSNP rs1057518548, ClinGen allele CA16042518.